The following is an entry in ClinVar:

ClinVar aggregate classification (germline): Uncertain significance (1 of 4 stars; one submission).

Conditions:
Atrioventricular septal defect 5 (AVSD5). Identifiers: MedGen C3280939, MONDO:0013769, OMIM 614474.

Allele frequency attached by ClinVar (database versions not stated): TOPMed 0.00008; gnomAD exomes 0.00001; gnomAD 0.00003.
gnomAD v4.1: 16 of 1,614,138 alleles (0.00099%); highest among the groups gnomAD compares: Admixed American, 0.0067%; no homozygotes.

Submission:

Labcorp Genetics (formerly Invitae), Labcorp
Classification: Uncertain significance for Atrioventricular septal defect 5. Last evaluated: 2024-10-31. Review status: criteria provided, single submitter. Criteria: Invitae Variant Classification Sherloc (09022015). Collection method: clinical testing. Allele origin: germline.
Comment: This sequence change replaces aspartic acid, which is acidic and polar, with asparagine, which is neutral and polar, at codon 566 of the GATA6 protein (p.Asp566Asn). This variant is not present in population databases (gnomAD no frequency). This variant has not been reported in the literature in individuals affected with GATA6-related conditions. ClinVar contains an entry for this variant (Variation ID: 1381716). An algorithm developed to predict the effect of missense changes on protein structure and function (PolyPhen-2) suggests that this variant is likely to be disruptive. In summary, the available evidence is currently insufficient to determine the role of this variant in disease. Therefore, it has been classified as a Variant of Uncertain Significance.

NM_005257.6(GATA6):c.1696G>A (p.Asp566Asn)

Gene: GATA6 (GATA binding protein 6; plus strand). Cytogenetic location: 18q11.2.
Variant type: single nucleotide variant.
Coding change: c.1696G>A on transcript NM_005257.6 (MANE Select); coding-DNA position 1696, G replaced by A.
Protein change: p.Asp566Asn; replaces aspartic acid 566 with asparagine.
Molecular consequence: missense variant.
Genome position (GRCh38, 1-based): chr18:22,200,731, G>A. VCF-style: chr18-22200731-G-A. GRCh37 (hg19) VCF-style: chr18-19780694-G-A.
Other names: short protein forms D566N.
Identifiers: ClinVar variation 1381716 (VCV001381716.6), dbSNP rs947813106, ClinGen allele CA297168806.